The following is an entry in ClinVar:

NM_001369.3(DNAH5):c.8635C>A (p.Pro2879Thr)

Gene: DNAH5 (dynein axonemal heavy chain 5; minus strand). Cytogenetic location: 5p15.2.
Variant type: single nucleotide variant.
Coding change: c.8635C>A on transcript NM_001369.3 (MANE Select); coding-DNA position 8635, C replaced by A.
Protein change: p.Pro2879Thr; replaces proline 2879 with threonine.
Molecular consequence: missense variant.
Genome position (GRCh38, 1-based): chr5:13,788,728, G>T on the plus strand (C>A on the coding strand, the complement: DNAH5 is on the minus strand). VCF-style: chr5-13788728-G-T. GRCh37 (hg19) VCF-style: chr5-13788837-G-T.
Other names: short protein forms P2879T.
Identifiers: ClinVar variation 4623590 (VCV004623590.1).
Genomic context (GRCh38, chr5:13,788,728, plus strand): 5'-TTAGGGAACACCTTTTGGGGAATTCCAAATTCCACTTCAATAGTTTACCTGCAGCTTCAG[G>T]TGCATCTCTCAAGAAATCCACAAAATATGTGTCAATTCCACAATCCACCAAGAGTTTTTT-3'
Protein context (NP_001360.1, residues 2869-2889): TYFVDFLRDA[Pro2879Thr]EAAGETSEEA

ClinVar aggregate classification (germline): Uncertain significance (1 of 4 stars; one submission).

Conditions:
Primary ciliary dyskinesia. Also called: Ciliary dyskinesia. Identifiers: Orphanet 244, MedGen C0008780, MONDO:0016575, HP:0012265.

gnomAD v4.1: 1 of 1,613,758 alleles (0.000062%); highest among the groups gnomAD compares: African/African-American, 0.0013%; no homozygotes.

Submission:

Ambry Genetics
Classification: Uncertain significance for Primary ciliary dyskinesia. Last evaluated: 2025-10-01. Review status: criteria provided, single submitter. Criteria: Ambry Variant Classification Scheme 2023. Collection method: clinical testing. Allele origin: germline.
Comment: The p.P2879T variant (also known as c.8635C>A), located in coding exon 51 of the DNAH5 gene, results from a C to A substitution at nucleotide position 8635. The proline at codon 2879 is replaced by threonine, an amino acid with highly similar properties. This amino acid position is conserved. In addition, the in silico prediction for this alteration is inconclusive. Based on the available evidence, the clinical significance of this variant remains unclear.